The following is an entry in ClinVar:

ClinVar aggregate classification (germline): Uncertain significance (1 of 4 stars; one submission).

Conditions:
Nemaline myopathy 6 (NEM6). Also called: Nemaline myopathy 6, autosomal dominant. Identifiers: Orphanet 171439, MedGen C1836472, MONDO:0012237, OMIM 609273.

Allele frequency attached by ClinVar (database versions not stated): ExAC 0.00011.

Submission:

Labcorp Genetics (formerly Invitae), Labcorp
Classification: Uncertain significance for Nemaline myopathy 6. Last evaluated: 2025-02-24. Review status: criteria provided, single submitter. Criteria: Invitae Variant Classification Sherloc (09022015). Collection method: clinical testing. Allele origin: germline.
Comment: This sequence change replaces arginine, which is basic and polar, with proline, which is neutral and non-polar, at codon 69 of the KBTBD13 protein (p.Arg69Pro). This variant is present in population databases (rs762769253, gnomAD 0.006%). This variant has not been reported in the literature in individuals affected with KBTBD13-related conditions. ClinVar contains an entry for this variant (Variation ID: 1986826). Invitae Evidence Modeling of protein sequence and biophysical properties (such as structural, functional, and spatial information, amino acid conservation, physicochemical variation, residue mobility, and thermodynamic stability) indicates that this missense variant is not expected to disrupt KBTBD13 protein function with a negative predictive value of 80%. In summary, the available evidence is currently insufficient to determine the role of this variant in disease. Therefore, it has been classified as a Variant of Uncertain Significance.

NM_001101362.3(KBTBD13):c.206G>C (p.Arg69Pro)

Gene: KBTBD13 (kelch repeat and BTB domain containing 13; plus strand). Cytogenetic location: 15q22.31.
Variant type: single nucleotide variant.
Coding change: c.206G>C on transcript NM_001101362.3 (MANE Select); coding-DNA position 206, G replaced by C.
Protein change: p.Arg69Pro; replaces arginine 69 with proline.
Molecular consequence: missense variant.
Genome position (GRCh38, 1-based): chr15:65,077,021, G>C. VCF-style: chr15-65077021-G-C. GRCh37 (hg19) VCF-style: chr15-65369359-G-C.
Other names: short protein forms R69P.
Identifiers: ClinVar variation 1986826 (VCV001986826.4), dbSNP rs762769253, ClinGen allele CA7613899.
Genomic context (GRCh38, chr15:65,077,021, plus strand): 5'-GCCTGGGCGTTCTGAGCGCGGGAGGTTTCCGCGCCACGCTGCAGGTGCTGCGCGGCGACC[G>C]GCCGGCGCTGGCGGCGGAGGACGAGCTGCTGCAGGCCGTGGAGTGCGCCGCCTTCCTCCA-3'
Protein context (NP_001094832.1, residues 59-79): RATLQVLRGD[Arg69Pro]PALAAEDELL